The following is an entry in ClinVar:

NM_006642.5(SDCCAG8):c.107T>C (p.Leu36Pro)

Gene: SDCCAG8 (SHH signaling and ciliogenesis regulator SDCCAG8; plus strand). Cytogenetic location: 1q43.
Variant type: single nucleotide variant.
Coding change: c.107T>C on transcript NM_006642.5 (MANE Select); coding-DNA position 107, T replaced by C.
Protein change: p.Leu36Pro; replaces leucine 36 with proline.
Molecular consequence: missense variant. On other transcripts: 5 prime UTR variant (4).
Genome position (GRCh38, 1-based): chr1:243,270,144, T>C. VCF-style: chr1-243270144-T-C. GRCh37 (hg19) VCF-style: chr1-243433446-T-C.
Other names: c.-1006T>C (NM_001350246.2); c.-894T>C (NM_001350247.2); c.107T>C, p.Leu36Pro (NM_001350248.2); c.-188T>C (NM_001350249.2); c.-1267T>C (NM_001350251.2); short protein forms L36P.
Identifiers: ClinVar variation 4981002 (VCV004981002.1).
Genomic context (GRCh38, chr1:243,270,144, plus strand): 5'-TTCGTCAGGTTGTTCTTGCAGAACATGCCAGCAGAAGCATTCACCAACTGACATGTGCCC[T>C]GAAAGAAGGCGATGTCACTATTGGAGAAGATGCACCAAATCTTTCTTTTAGCACCAGTGT-3'
Protein context (NP_006633.1, residues 26-46): SRSIHQLTCA[Leu36Pro]KEGDVTIGED

ClinVar aggregate classification (germline): Uncertain significance (1 of 4 stars; one submission).

Conditions:
SDCCAG8-related disorder. Also called: SDCCAG8-related condition; SDCCAG8-Related Disorders.

gnomAD v4.1: 1 of 1,614,084 alleles (0.000062%); highest among the groups gnomAD compares: Admixed American, 0.0017%; no homozygotes.

Submission:

PreventionGenetics, part of Exact Sciences
Classification: Uncertain significance for SDCCAG8-related condition. Last evaluated: 2025-08-29. Review status: criteria provided, single submitter. Criteria: ACMG Guidelines, 2015. Collection method: clinical testing. Allele origin: germline.
Comment: The SDCCAG8 c.107T>C variant is predicted to result in the amino acid substitution p.Leu36Pro. To our knowledge, this variant has not been reported in the literature or in a large population database (gnomAD), indicating this variant is rare. At this time, the clinical significance of this variant is uncertain due to the absence of conclusive functional and genetic evidence.